The following is an entry in ClinVar:

NM_001374675.1(HSF4):c.214G>A (p.Val72Met)

Gene: HSF4 (heat shock transcription factor 4; plus strand). Cytogenetic location: 16q22.1.
Variant type: single nucleotide variant.
Coding change: c.214G>A on transcript NM_001374675.1 (MANE Select); coding-DNA position 214, G replaced by A.
Protein change: p.Val72Met; replaces valine 72 with methionine.
Molecular consequence: missense variant.
Genome position (GRCh38, 1-based): chr16:67,165,612, G>A. VCF-style: chr16-67165612-G-A. GRCh37 (hg19) VCF-style: chr16-67199515-G-A.
Other names: c.214G>A, p.Val72Met (NM_001040667.3, NM_001374674.1, NM_001538.4); short protein forms V72M.
Identifiers: ClinVar variation 2259686 (VCV002259686.3), dbSNP rs2507007794, ClinGen allele CA396263196.

ClinVar aggregate classification (germline): Uncertain significance. Review status: criteria provided, multiple submitters, no conflicts (2 of 4 stars). 2 submissions from 2 submitters: Uncertain significance (2). Last evaluated 2023-07-11.

Conditions:
Inborn genetic diseases. Identifiers: MedGen C0950123, MeSH D030342.

Submissions (2):

GeneDx
Classification: Uncertain significance. Last evaluated: 2023-07-11. Review status: criteria provided, single submitter. Criteria: GeneDx Variant Classification Process June 2021. Collection method: clinical testing. Allele origin: germline. Affected: yes.
Comment: Not observed at significant frequency in large population cohorts (gnomAD); In silico analysis supports that this missense variant has a deleterious effect on protein structure/function; Has not been previously published as pathogenic or benign to our knowledge

Ambry Genetics
Classification: Uncertain significance for Inborn genetic diseases. Last evaluated: 2021-12-08. Review status: criteria provided, single submitter. Criteria: Ambry Variant Classification Scheme 2023. Collection method: clinical testing. Allele origin: germline.
Comment: The c.214G>A (p.V72M) alteration is located in exon 4 (coding exon 2) of the HSF4 gene. This alteration results from a G to A substitution at nucleotide position 214, causing the valine (V) at amino acid position 72 to be replaced by a methionine (M). This variant was not reported in population-based cohorts in the Genome Aggregation Database (gnomAD). This amino acid position is highly conserved in available vertebrate species. This alteration is predicted to be deleterious by in silico analysis. Based on insufficient or conflicting evidence, the clinical significance of this alteration remains unclear.